The following is an entry in ClinVar:

NM_001035.3(RYR2):c.3595G>A (p.Asp1199Asn)

Gene: RYR2 (ryanodine receptor 2; plus strand). Cytogenetic location: 1q43.
Variant type: single nucleotide variant.
Coding change: c.3595G>A on transcript NM_001035.3 (MANE Select); coding-DNA position 3595, G replaced by A.
Protein change: p.Asp1199Asn; replaces aspartic acid 1199 with asparagine.
Molecular consequence: missense variant.
Genome position (GRCh38, 1-based): chr1:237,569,316, G>A. VCF-style: chr1-237569316-G-A. GRCh37 (hg19) VCF-style: chr1-237732616-G-A.
Other names: short protein forms D1199N.
Identifiers: ClinVar variation 3894300 (VCV003894300.2).
Genomic context (GRCh38, chr1:237,569,316, plus strand): 5'-GGTGAAATCCTTCTTGATGATTCAGGCTCAGAACTGGCTTTCAAGGACTTTGATGTTGGC[G>A]ATGGTAAGTCTACTATGTTTTGTGTTTTTTTTAAGTTTGCAGCACAAGGAAGCTTTCATC-3'
Protein context (NP_001026.2, residues 1189-1209): ELAFKDFDVG[Asp1199Asn]GFIPVCSLGV

ClinVar aggregate classification (germline): Conflicting classifications of pathogenicity. Review status: criteria provided, conflicting classifications (1 of 4 stars). 2 submissions from 2 submitters: Uncertain significance (1); Likely benign (1). Last evaluated 2024-09-09.

Conditions:
Cardiomyopathy (CMYO). Also called: Cardiomyopathies. Identifiers: Orphanet 167848, MedGen C0878544, MONDO:0004994, HP:0001638. Inheritance: Various modes of inheritance.

gnomAD v4.1: 34 of 1,613,236 alleles (0.0021%); highest among the groups gnomAD compares: Admixed American, 0.0083%; no homozygotes.

Submissions (2):

Blueprint Genetics
Classification: Likely benign. Last evaluated: 2024-09-09. Review status: criteria provided, single submitter. Criteria: ACMG Guidelines, 2015. Collection method: clinical testing. Allele origin: germline.

Color Diagnostics, LLC DBA Color Health
Classification: Uncertain significance for Cardiomyopathy. Last evaluated: 2024-01-17. Review status: criteria provided, single submitter. Criteria: ACMG Guidelines, 2015. Collection method: clinical testing. Allele origin: germline.
Comment: This missense variant replaces aspartic acid with asparagine at codon 1199 of the RYR2 protein. Computational prediction suggests that this variant may not impact protein structure and function (internally defined REVEL score threshold <= 0.5, PMID: 27666373). To our knowledge, functional studies have not been reported for this variant. This variant has been reported in two related individuals affected with familial intracranial aneurysm and in an unaffected individual from the family (PMID: 34668355). This variant has been identified in 16/247842 chromosomes in the general population by the Genome Aggregation Database (gnomAD). The available evidence is insufficient to determine the role of this variant in disease conclusively. Therefore, this variant is classified as a Variant of Uncertain Significance.

Literature cited by the submitters: PubMed 34668355 (cited by Color Diagnostics, LLC DBA Color Health).